The following is an entry in ClinVar:

ClinVar aggregate classification (germline): Uncertain significance. Review status: criteria provided, multiple submitters, no conflicts (2 of 4 stars). 5 submissions from 5 submitters: Uncertain significance (4). 1 of the submissions does not count toward it. Last evaluated 2024-11-19.

Conditions:
Saldino-Mainzer syndrome (SRTD9). Also called: short-rib thoracic dysplasia 9 with or without polydactyly; Renal dysplasia, retinal pigmentary dystrophy, cerebellar ataxia and skeletal dysplasia; SHORT-RIB THORACIC DYSPLASIA 9 WITHOUT POLYDACTYLY; CONORENAL SYNDROME. Identifiers: Orphanet 140969, MedGen C1849437, MONDO:0009964, OMIM 266920.
Retinal dystrophy. Also called: Inherited retinal dystrophy. Identifiers: Orphanet 71862, MedGen C0854723, MeSH D058499, MONDO:0019118, HP:0000556.

Allele frequency attached by ClinVar (database versions not stated): gnomAD 0.00001; TOPMed 0.00001; ExAC 0.00002; gnomAD exomes 0.00002.

Submissions (5):

Blueprint Genetics
Classification: Uncertain significance. Last evaluated: 2024-11-19. Review status: criteria provided, single submitter. Criteria: ACMG Guidelines, 2015. Collection method: clinical testing. Allele origin: germline.

CeGaT Center for Human Genetics Tuebingen
Classification: Uncertain significance. Last evaluated: 2024-08-01. Review status: criteria provided, single submitter. Criteria: CeGaT Center For Human Genetics Tuebingen Variant Classification Criteria Version 2. Collection method: clinical testing. Allele origin: germline. Affected: yes. Observed: 1 variant allele.
Comment: IFT140: PM2

Labcorp Genetics (formerly Invitae), Labcorp
Classification: Uncertain significance for Saldino-Mainzer syndrome. Last evaluated: 2022-11-01. Review status: criteria provided, single submitter. Criteria: Invitae Variant Classification Sherloc (09022015). Collection method: clinical testing. Allele origin: germline.
Comment: This sequence change replaces valine, which is neutral and non-polar, with methionine, which is neutral and non-polar, at codon 53 of the IFT140 protein (p.Val53Met). This variant is present in population databases (rs776811329, gnomAD 0.006%). This variant has not been reported in the literature in individuals affected with IFT140-related conditions. ClinVar contains an entry for this variant (Variation ID: 598148). Advanced modeling of protein sequence and biophysical properties (such as structural, functional, and spatial information, amino acid conservation, physicochemical variation, residue mobility, and thermodynamic stability) performed at Invitae indicates that this missense variant is not expected to disrupt IFT140 protein function. In summary, the available evidence is currently insufficient to determine the role of this variant in disease. Therefore, it has been classified as a Variant of Uncertain Significance.

Eurofins Ntd Llc (ga)
Classification: Uncertain significance. Last evaluated: 2018-08-02. Review status: criteria provided, single submitter. Criteria: EGL ClinVar v180209 classification definitions. Collection method: clinical testing. Allele origin: germline. Observed: 1 variant allele, 1 heterozygote.

Institute of Human Genetics, Univ. Regensburg, Univ. Regensburg
Classification: Uncertain significance for Retinal dystrophy. Last evaluated: 2023-01-01. Review status: no assertion criteria provided. Criteria: ACMG Guidelines, 2015. Collection method: clinical testing. Allele origin: germline. Affected: yes. Not counted in ClinVar's aggregate classification.

NM_014714.4(IFT140):c.157G>A (p.Val53Met)

Genes: IFT140 (intraflagellar transport 140; minus strand), LOC105371046 (uncharacterized LOC105371046; plus strand). Cytogenetic location: 16p13.3.
Variant type: single nucleotide variant.
Coding change: c.157G>A on transcript NM_014714.4 (MANE Select); coding-DNA position 157, G replaced by A.
Protein change: p.Val53Met; replaces valine 53 with methionine.
Molecular consequence: missense variant.
Genome position (GRCh38, 1-based): chr16:1,602,582, C>T on the plus strand (G>A on the coding strand, the complement: IFT140 is on the minus strand). VCF-style: chr16-1602582-C-T. GRCh37 (hg19) VCF-style: chr16-1652583-C-T.
Other names: short protein forms V53M.
Identifiers: ClinVar variation 598148 (VCV000598148.26), dbSNP rs776811329, ClinGen allele CA7814799.